The following is an entry in ClinVar:

ClinVar aggregate classification (germline): Uncertain significance (1 of 4 stars; one submission).

Conditions:
Arrhythmogenic right ventricular dysplasia 11. Also called: ARRHYTHMOGENIC RIGHT VENTRICULAR DYSPLASIA, FAMILIAL, 11; Arrhythmogenic Right Ventricular Dysplasia/Cardiomyopathy11; Arrhythmogenic right ventricular dysplasia 11 with mild palmoplantar keratoderma and woolly hair. Identifiers: MedGen C1864850, MONDO:0012506, OMIM 610476.

Submission:

Labcorp Genetics (formerly Invitae), Labcorp
Classification: Uncertain significance for Arrhythmogenic right ventricular dysplasia 11. Last evaluated: 2024-03-01. Review status: criteria provided, single submitter. Criteria: Invitae Variant Classification Sherloc (09022015). Collection method: clinical testing. Allele origin: germline.
Comment: This sequence change falls in intron 1 of the DSC2 gene. It does not directly change the encoded amino acid sequence of the DSC2 protein. It affects a nucleotide within the consensus splice site. This variant is not present in population databases (gnomAD no frequency). This variant has not been reported in the literature in individuals affected with DSC2-related conditions. Variants that disrupt the consensus splice site are a relatively common cause of aberrant splicing (PMID: 17576681, 9536098). Algorithms developed to predict the effect of sequence changes on RNA splicing suggest that this variant may disrupt the consensus splice site. In summary, the available evidence is currently insufficient to determine the role of this variant in disease. Therefore, it has been classified as a Variant of Uncertain Significance.

Literature cited by the submitters: PubMed 17576681; PubMed 9536098.

NM_024422.6(DSC2):c.69+5G>C

Genes: DSC2 (desmocollin 2; minus strand), DSCAS (DSC1/DSC2 antisense RNA; plus strand). Cytogenetic location: 18q12.1.
Variant type: single nucleotide variant.
Coding change: c.69+5G>C on transcript NM_024422.6 (MANE Select); 5 bases into the intron after coding-DNA position 69, G replaced by C.
Molecular consequence: intron variant.
Genome position (GRCh38, 1-based): chr18:31,101,898, C>G on the plus strand (G>C on the coding strand, the complement: DSC2 is on the minus strand). VCF-style: chr18-31101898-C-G. GRCh37 (hg19) VCF-style: chr18-28681861-C-G.
Other names: c.69+5G>C (NM_004949.5).
Identifiers: ClinVar variation 3668864 (VCV003668864.2).